The following is an entry in ClinVar:

ClinVar aggregate classification (germline): Likely benign. Review status: criteria provided, multiple submitters, no conflicts (2 of 4 stars). 3 submissions from 3 submitters: Likely benign (3). Last evaluated 2026-01-01.

Allele frequency attached by ClinVar (database versions not stated): gnomAD 0.00021; ESP Exome Variant Server 0.00024; TOPMed 0.00025.
gnomAD v4.1: 139 of 1,613,672 alleles (0.0086%); highest among the groups gnomAD compares: African/African-American, 0.04%; no homozygotes.

Submissions (3):

CeGaT Center for Human Genetics Tuebingen
Classification: Likely benign. Last evaluated: 2026-01-01. Review status: criteria provided, single submitter. Criteria: CeGaT Center For Human Genetics Tuebingen Variant Classification Criteria Version 2. Collection method: clinical testing. Allele origin: germline. Affected: yes. Observed: 1 variant allele.
Comment: CTNNA2: BP4, BP7

Women's Health and Genetics/Laboratory Corporation of America, LabCorp
Classification: Likely benign. Last evaluated: 2025-04-11. Review status: criteria provided, single submitter. Criteria: LabCorp Variant Classification Summary - May 2015. Collection method: clinical testing. Allele origin: germline.

Labcorp Genetics (formerly Invitae), Labcorp
Classification: Likely benign. Last evaluated: 2019-12-31. Review status: criteria provided, single submitter. Criteria: Invitae Variant Classification Sherloc (09022015). Collection method: clinical testing. Allele origin: germline.

NM_001282597.3(CTNNA2):c.1395C>T (p.Ala465=)

Gene: CTNNA2 (catenin alpha 2; plus strand). Cytogenetic location: 2p12.
Variant type: single nucleotide variant.
Coding change: c.1395C>T on transcript NM_001282597.3 (MANE Select); coding-DNA position 1395, C replaced by T.
Protein change: p.Ala465=; no amino-acid change (alanine 465 retained).
Molecular consequence: synonymous variant.
Genome position (GRCh38, 1-based): chr2:80,545,918, C>T. VCF-style: chr2-80545918-C-T. GRCh37 (hg19) VCF-style: chr2-80773043-C-T.
Other names: c.1395C>T, p.Ala465= (NM_001164883.2, NM_004389.4); c.1497C>T, p.Ala499= (NM_001282598.2); c.432C>T, p.Ala144= (NM_001282599.2); c.291C>T, p.Ala97= (NM_001282600.2, NM_001320810.2).
Identifiers: ClinVar variation 731003 (VCV000731003.10), dbSNP rs199835264, ClinGen allele CA1735643.